The following is an entry in ClinVar:

ClinVar aggregate classification (germline): Uncertain significance (1 of 4 stars; one submission).

Conditions:
Hypermethioninemia with deficiency of S-adenosylhomocysteine hydrolase. Identifiers: Orphanet 88618, MedGen C3151058, MONDO:0013404, OMIM 613752.

Allele frequency attached by ClinVar (database versions not stated): TOPMed below 0.00001; gnomAD 0.00001; gnomAD exomes 0.00003; ExAC 0.00004.
gnomAD v4.1: 49 of 1,613,964 alleles (0.003%); highest among the groups gnomAD compares: South Asian, 0.027%; 2 homozygotes.

Submission:

Labcorp Genetics (formerly Invitae), Labcorp
Classification: Uncertain significance for Hypermethioninemia with deficiency of S-adenosylhomocysteine hydrolase. Last evaluated: 2024-06-20. Review status: criteria provided, single submitter. Criteria: Invitae Variant Classification Sherloc (09022015). Collection method: clinical testing. Allele origin: germline.
Comment: This sequence change replaces alanine, which is neutral and non-polar, with valine, which is neutral and non-polar, at codon 216 of the AHCY protein (p.Ala216Val). This variant is present in population databases (rs764398625, gnomAD 0.04%). This variant has not been reported in the literature in individuals affected with AHCY-related conditions. ClinVar contains an entry for this variant (Variation ID: 2149853). Advanced modeling of protein sequence and biophysical properties (such as structural, functional, and spatial information, amino acid conservation, physicochemical variation, residue mobility, and thermodynamic stability) performed at Invitae indicates that this missense variant is not expected to disrupt AHCY protein function with a negative predictive value of 80%. In summary, the available evidence is currently insufficient to determine the role of this variant in disease. Therefore, it has been classified as a Variant of Uncertain Significance.

NM_000687.4(AHCY):c.647C>T (p.Ala216Val)

Gene: AHCY (adenosylhomocysteinase; minus strand). Cytogenetic location: 20q11.22.
Variant type: single nucleotide variant.
Coding change: c.647C>T on transcript NM_000687.4 (MANE Select); coding-DNA position 647, C replaced by T.
Protein change: p.Ala216Val; replaces alanine 216 with valine.
Molecular consequence: missense variant.
Genome position (GRCh38, 1-based): chr20:34,290,850, G>A on the plus strand (C>T on the coding strand, the complement: AHCY is on the minus strand). VCF-style: chr20-34290850-G-A. GRCh37 (hg19) VCF-style: chr20-32878656-G-A.
Other names: c.563C>T, p.Ala188Val (NM_001161766.2, NM_001322084.2, NM_001322085.2); c.653C>T, p.Ala218Val (NM_001322086.2); c.647C>T, p.Ala216Val (NM_001362750.2); short protein forms A218V, A216V, A188V.
Identifiers: ClinVar variation 2149853 (VCV002149853.4), dbSNP rs764398625, ClinGen allele CA9820931.
Genomic context (GRCh38, chr20:34,290,850, plus strand): 5'-CCGAAACCCCGCAGGGCCTGGGCACAGCCCTTGCCCACATCACCATAGCCTGCTACCACC[G>A]CTACCTTGCCGGCAATCATCACATCTGTGGCCCGCTTGATGCCATCTATGAGGGACTCCC-3'
Protein context (NP_000678.1, residues 206-226): ATDVMIAGKV[Ala216Val]VVAGYGDVGK